The following is an entry in ClinVar:

NM_014334.4(FRRS1L):c.-60C>G

Gene: FRRS1L (ferric chelate reductase 1 like; minus strand). Cytogenetic location: 9q31.3.
Variant type: single nucleotide variant.
Coding change: c.-60C>G on transcript NM_014334.4 (MANE Select); 60 bases upstream of the start codon, C replaced by G.
Molecular consequence: 5 prime UTR variant.
Genome position (GRCh38, 1-based): chr9:109,167,198, G>C on the plus strand (C>G on the coding strand, the complement: FRRS1L is on the minus strand). VCF-style: chr9-109167198-G-C. GRCh37 (hg19) VCF-style: chr9-111929478-G-C.
Identifiers: ClinVar variation 940692 (VCV000940692.7), dbSNP rs981467659, ClinGen allele CA197585124.

ClinVar aggregate classification (germline): Uncertain significance (1 of 4 stars; one submission).

Conditions:
Developmental and epileptic encephalopathy, 37 (DEE37). Also called: Epileptic encephalopathy, early infantile, 37. Identifiers: MedGen C4310770, MONDO:0014859, OMIM 616981.

Allele frequency attached by ClinVar (database versions not stated): gnomAD 0.00003 and 0.00004; TOPMed 0.00003.
gnomAD v4.1: 4 of 1,178,110 alleles (0.00034%); highest among the groups gnomAD compares: African/African-American, 0.0065%; no homozygotes.

Submission:

Labcorp Genetics (formerly Invitae), Labcorp
Classification: Uncertain significance for Developmental and epileptic encephalopathy, 37. Last evaluated: 2022-03-13. Review status: criteria provided, single submitter. Criteria: Invitae Variant Classification Sherloc (09022015). Collection method: clinical testing. Allele origin: germline.
Comment: This sequence change replaces arginine, which is basic and polar, with glycine, which is neutral and non-polar, at codon 32 of the FRRS1L protein (p.Arg32Gly). This variant is present in population databases (no rsID available, gnomAD 0.01%). This variant has not been reported in the literature in individuals affected with FRRS1L-related conditions. ClinVar contains an entry for this variant (Variation ID: 940692). Algorithms developed to predict the effect of missense changes on protein structure and function are either unavailable or do not agree on the potential impact of this missense change (SIFT: "Deleterious"; PolyPhen-2: "Not Available"; Align-GVGD: "Class C0"). In summary, the available evidence is currently insufficient to determine the role of this variant in disease. Therefore, it has been classified as a Variant of Uncertain Significance.